The following is an entry in ClinVar:

NM_000138.5(FBN1):c.7591G>C (p.Asp2531His)

Gene: FBN1 (fibrillin 1; minus strand). Cytogenetic location: 15q21.1.
Variant type: single nucleotide variant.
Coding change: c.7591G>C on transcript NM_000138.5 (MANE Select); coding-DNA position 7591, G replaced by C.
Protein change: p.Asp2531His; replaces aspartic acid 2531 with histidine.
Molecular consequence: missense variant.
Genome position (GRCh38, 1-based): chr15:48,421,666, C>G on the plus strand (G>C on the coding strand, the complement: FBN1 is on the minus strand). VCF-style: chr15-48421666-C-G. GRCh37 (hg19) VCF-style: chr15-48713863-C-G.
Other names: c.7591G>C, p.Asp2531His (NM_001406716.1); short protein forms D2531H.
Identifiers: ClinVar variation 4757618 (VCV004757618.2).
Genomic context (GRCh38, chr15:48,421,666, plus strand): 5'-CACAGGTGAAGCTTCCAGGAGTGTTCTGGCAAATGCCCTTAGACCCGCACAGATTGATGT[C>G]AGAGGTGCATTCATTGTTATCTATGAGAAGCAGTGGGGGCAAAGAGGGGTTAAAATTCCC-3'
Protein context (NP_000129.3, residues 2521-2541): SCIDNNECTS[Asp2531His]INLCGSKGIC

ClinVar aggregate classification (germline): Uncertain significance. Review status: criteria provided, multiple submitters, no conflicts (2 of 4 stars). 2 submissions from 2 submitters: Uncertain significance (2). Last evaluated 2026-07-07.

Conditions:
Familial thoracic aortic aneurysm and aortic dissection (TAAD). Also called: Thoracic aortic aneurysms and dissections. Identifiers: Orphanet 91387, MedGen C4707243, MONDO:0019625.

gnomAD v4.1: 2 of 1,613,778 alleles (0.00012%); highest among the groups gnomAD compares: South Asian, 0.0011%; no homozygotes.

Submissions (2):

Ambry Genetics
Classification: Uncertain significance for Familial thoracic aortic aneurysm and aortic dissection. Last evaluated: 2026-07-07. Review status: criteria provided, single submitter. Criteria: Ambry Variant Classification Scheme 2023. Collection method: clinical testing. Allele origin: germline.
Comment: The p.D2531H variant (also known as c.7591G>C), located in coding exon 61 of the FBN1 gene, results from a G to C substitution at nucleotide position 7591. The aspartic acid at codon 2531 is replaced by histidine, an amino acid with similar properties. This amino acid position is conserved. In addition, the in silico prediction for this alteration is inconclusive. Based on the available evidence, the clinical significance of this variant remains unclear.

Color Diagnostics, LLC DBA Color Health
Classification: Uncertain significance for Familial thoracic aortic aneurysm and aortic dissection. Last evaluated: 2025-07-14. Review status: criteria provided, single submitter. Criteria: ACMG Guidelines, 2015. Collection method: clinical testing. Allele origin: germline.
Comment: This missense variant replaces aspartic acid with histidine at codon 2531 of the FBN1 protein. Computational prediction suggests that this variant may not impact protein structure and function. To our knowledge, functional studies have not been reported for this variant. This variant has not been reported in individuals affected with FBN1-related disorders in the literature. This variant has been identified in 1/250564 chromosomes in the general population by the Genome Aggregation Database (gnomAD). The available evidence is insufficient to determine the role of this variant in disease conclusively. Therefore, this variant is classified as a Variant of Uncertain Significance.